The following is an entry in ClinVar:

NM_001378030.1(CCDC78):c.247A>G (p.Ile83Val)

Gene: CCDC78 (coiled-coil domain containing 78; minus strand). Cytogenetic location: 16p13.3.
Variant type: single nucleotide variant.
Coding change: c.247A>G on transcript NM_001378030.1 (MANE Select); coding-DNA position 247, A replaced by G.
Protein change: p.Ile83Val; replaces isoleucine 83 with valine.
Molecular consequence: missense variant. On other transcripts: 5 prime UTR variant (1), non-coding transcript variant (5).
Genome position (GRCh38, 1-based): chr16:725,814, T>C on the plus strand (A>G on the coding strand, the complement: CCDC78 is on the minus strand). VCF-style: chr16-725814-T-C. GRCh37 (hg19) VCF-style: chr16-775814-T-C.
Other names: c.247A>G, p.Ile83Val (NM_001031737.3, NM_001378031.1); c.-39A>G (NM_001378033.1); short protein forms I83V.
Identifiers: ClinVar variation 640787 (VCV000640787.1), dbSNP rs558878970, ClinGen allele CA7789698.
Genomic context (GRCh38, chr16:725,814, plus strand): 5'-CGTCCCCCATGCACTGAGGCTGGTTCACACGGCTGCTCACCTCACTCTTCAGCTGGAAGA[T>C]TTCAGCCTCATGCTGCTCATGTAGGTGGTGGGTTGTGATCTGAATGTCGACCAGCTCCTT-3'
Protein context (NP_001364959.1, residues 73-93): HHLHEQHEAE[Ile83Val]FQLKSEILRL

ClinVar aggregate classification (germline): Uncertain significance (1 of 4 stars; one submission).

Conditions:
Congenital myopathy with internal nuclei and atypical cores. Also called: Myopathy, centronuclear, 4. Identifiers: Orphanet 319160, MedGen C4707232, MONDO:0013890, OMIM 614807.

Allele frequency attached by ClinVar (database versions not stated): gnomAD 0.00001; gnomAD exomes 0.00001 and below 0.00001; TOPMed 0.00001; 1000 Genomes Project 0.00020; 1000 Genomes Project 30x 0.00031; ExAC 0.00001.
gnomAD v4.1: 3 of 1,609,836 alleles (0.00019%); highest among the groups gnomAD compares: African/African-American, 0.0027%; no homozygotes.

Submission:

Labcorp Genetics (formerly Invitae), Labcorp
Classification: Uncertain significance for Myopathy, centronuclear, 4. Last evaluated: 2018-10-23. Review status: criteria provided, single submitter. Criteria: Invitae Variant Classification Sherloc (09022015). Collection method: clinical testing. Allele origin: germline.
Comment: This sequence change replaces isoleucine with valine at codon 83 of the CCDC78 protein (p.Ile83Val). The isoleucine residue is moderately conserved and there is a small physicochemical difference between isoleucine and valine. This variant is present in population databases (rs558878970, ExAC 0.01%). This variant has not been reported in the literature in individuals with CCDC78-related disease. Algorithms developed to predict the effect of missense changes on protein structure and function output the following: SIFT: "Tolerated"; PolyPhen-2: "Benign"; Align-GVGD: "Class C0". The valine amino acid residue is found in multiple mammalian species, suggesting that this missense change does not adversely affect protein function. These predictions have not been confirmed by published functional studies and their clinical significance is uncertain. In summary, the available evidence is currently insufficient to determine the role of this variant in disease. Therefore, it has been classified as a Variant of Uncertain Significance.